The following is an entry in ClinVar:

ClinVar aggregate classification (germline): Uncertain significance (1 of 4 stars; one submission).

Conditions:
Familial hypocalciuric hypercalcemia (FHH). Also called: Familial benign hypercalcemia. Identifiers: Orphanet 405, MedGen C1809471, MONDO:0018458.
Autosomal dominant hypocalcemia 1 (HYPOC1). Also called: HYPOCALCEMIA, FAMILIAL. Identifiers: MedGen C3715128, MONDO:0011013, OMIM 601198.

Submission:

Labcorp Genetics (formerly Invitae), Labcorp
Classification: Uncertain significance for Familial hypocalciuric hypercalcemia; Autosomal dominant hypocalcemia 1. Last evaluated: 2021-03-22. Review status: criteria provided, single submitter. Criteria: Invitae Variant Classification Sherloc (09022015). Collection method: clinical testing. Allele origin: germline.
Comment: In summary, the available evidence is currently insufficient to determine the role of this variant in disease. Therefore, it has been classified as a Variant of Uncertain Significance. Algorithms developed to predict the effect of missense changes on protein structure and function (SIFT, PolyPhen-2, Align-GVGD) all suggest that this variant is likely to be tolerated, but these predictions have not been confirmed by published functional studies and their clinical significance is uncertain. This variant has not been reported in the literature in individuals with CASR-related conditions. This variant is not present in population databases (ExAC no frequency). This sequence change replaces valine with alanine at codon 1075 of the CASR protein (p.Val1075Ala). The valine residue is weakly conserved and there is a small physicochemical difference between valine and alanine.

NM_000388.4(CASR):c.3224T>C (p.Val1075Ala)

Gene: CASR (calcium sensing receptor; plus strand). Cytogenetic location: 3q21.1.
Variant type: single nucleotide variant.
Coding change: c.3224T>C on transcript NM_000388.4 (MANE Select); coding-DNA position 3224, T replaced by C.
Protein change: p.Val1075Ala; replaces valine 1075 with alanine.
Molecular consequence: missense variant.
Genome position (GRCh38, 1-based): chr3:122,285,178, T>C. VCF-style: chr3-122285178-T-C. GRCh37 (hg19) VCF-style: chr3-122004025-T-C.
Other names: c.3254T>C, p.Val1085Ala (NM_001178065.2); short protein forms V1075A, V1085A.
Identifiers: ClinVar variation 1484177 (VCV001484177.8), dbSNP rs2107652158, ClinGen allele CA354161818.
Genomic context (GRCh38, chr3:122,285,178, plus strand): 5'-TAGTGTCCAGTTCACAGAGCTTTGTCATCAGTGGTGGAGGCAGCACTGTTACAGAAAACG[T>C]AGTGAATTCATAAAATGGAAGGAGAAGACTGGGCTAGGGAGAATGCAGAGAGGTTTCTTG-3'
Protein context (NP_000379.3, residues 1065-1078): SGGGSTVTEN[Val1075Ala]VNS